The following is an entry in ClinVar:

ClinVar aggregate classification (germline): Pathogenic (1 of 4 stars; one submission).

Conditions:
Hereditary cancer-predisposing syndrome. Also called: Neoplastic Syndromes, Hereditary; Tumor predisposition; Hereditary Cancer Syndrome; Hereditary neoplastic syndrome. Identifiers: Orphanet 140162, MedGen C0027672, MeSH D009386, MONDO:0015356.

Submission:

Ambry Genetics
Classification: Pathogenic for Hereditary cancer-predisposing syndrome. Last evaluated: 2026-01-06. Review status: criteria provided, single submitter. Criteria: Ambry Variant Classification Scheme 2023. Collection method: clinical testing. Allele origin: germline.
Comment: The p.K608* pathogenic mutation (also known as c.1822A>T), located in coding exon 14 of the SDHA gene, results from an A to T substitution at nucleotide position 1822. This changes the amino acid from a lysine to a stop codon within coding exon 14. This variant is considered to be rare based on population cohorts in the Genome Aggregation Database (gnomAD). This alteration is expected to result in loss of function by premature protein truncation or nonsense-mediated mRNA decay. As such, this alteration is interpreted as a disease-causing mutation.

NM_004168.4(SDHA):c.1822A>T (p.Lys608Ter)

Gene: SDHA (succinate dehydrogenase complex flavoprotein subunit A; plus strand). Cytogenetic location: 5p15.33.
Variant type: single nucleotide variant.
Coding change: c.1822A>T on transcript NM_004168.4 (MANE Select); coding-DNA position 1822, A replaced by T.
Protein change: p.Lys608Ter; replaces lysine 608 with a stop codon.
Molecular consequence: nonsense.
Genome position (GRCh38, 1-based): chr5:254,420, A>T. VCF-style: chr5-254420-A-T. GRCh37 (hg19) VCF-style: chr5-254535-A-T.
Other names: c.1678A>T, p.Lys560Ter (NM_001294332.2); c.1579A>T, p.Lys527Ter (NM_001330758.2); short protein forms K608*, K560*, K527*.
Identifiers: ClinVar variation 4838952 (VCV004838952.1).